The following is an entry in ClinVar:

ClinVar aggregate classification (germline): Conflicting classifications of pathogenicity. Review status: criteria provided, conflicting classifications (1 of 4 stars). 2 submissions from 2 submitters: Uncertain significance (1); Benign (1). Last evaluated 2022-08-01.

Conditions:
Factor 5 and Factor VIII, combined deficiency of, 2. Identifiers: Orphanet 35909, MedGen C3150889, MONDO:0013331, OMIM 613625.

Allele frequency attached by ClinVar (database versions not stated): TOPMed 0.00042; gnomAD 0.00070; 1000 Genomes Project 30x 0.00156.
gnomAD v4.1: 115 of 947,968 alleles (0.012%); highest among the groups gnomAD compares: East Asian, 1.2%; 2 homozygotes.

Submissions (2):

CeGaT Center for Human Genetics Tuebingen
Classification: Benign. Last evaluated: 2022-08-01. Review status: criteria provided, single submitter. Criteria: CeGaT Center For Human Genetics Tuebingen Variant Classification Criteria Version 2. Collection method: clinical testing. Allele origin: germline. Affected: yes. Observed: 1 variant allele.
Comment: MCFD2: BS1, BS2

Illumina Laboratory Services, Illumina
Classification: Uncertain significance for Factor 5 and Factor VIII, combined deficiency of, 2. Last evaluated: 2018-01-13. Review status: criteria provided, single submitter. Criteria: ICSL Variant Classification Criteria 13 December 2019. Collection method: clinical testing. Allele origin: germline.

NM_139279.6(MCFD2):c.-7+11T>A

Gene: MCFD2 (multiple coagulation factor deficiency 2, ER cargo receptor complex subunit; minus strand). Cytogenetic location: 2p21.
Variant type: single nucleotide variant.
Coding change: c.-7+11T>A on transcript NM_139279.6 (MANE Select); 11 bases into the intron after 7 bases upstream of the start codon, T replaced by A.
Molecular consequence: intron variant.
Genome position (GRCh38, 1-based): chr2:46,915,712, A>T on the plus strand (T>A on the coding strand, the complement: MCFD2 is on the minus strand). VCF-style: chr2-46915712-A-T. GRCh37 (hg19) VCF-style: chr2-47142851-A-T.
Other names: c.-6-6535T>A (NM_001171508.2); c.-7+269T>A (NM_001171507.2); c.-101+11T>A (NM_001171506.2); c.93-7743T>A (NM_001171511.3); c.-8+269T>A (NM_001171510.3); c.-8+11T>A (NM_001171509.3).
Identifiers: ClinVar variation 336385 (VCV000336385.35), dbSNP rs201752014, ClinGen allele CA10615718.
Genomic context (GRCh38, chr2:46,915,712, plus strand): 5'-GCCCAAGCCTCCAGCCCACAGGAGAGGCGCCGGGATCCCGCCCGCTGCGGAGAGTGCGCT[A>T]GTTCACTCACCCTTACGGTCTCCGAAGCAGACGCGAAGCCCTCCAACGTGAGCCTCACCA-3'